The following is an entry in ClinVar:

ClinVar aggregate classification (germline): Uncertain significance (1 of 4 stars; one submission).

Conditions:
NTRK2-related disorder. Also called: NTRK2-related condition.

Submission:

PreventionGenetics, part of Exact Sciences
Classification: Uncertain significance for NTRK2-related condition. Last evaluated: 2024-12-16. Review status: criteria provided, single submitter. Criteria: ACMG Guidelines, 2015. Collection method: clinical testing. Allele origin: germline.
Comment: The NTRK2 c.70G>A variant is predicted to result in the amino acid substitution p.Gly24Ser. To our knowledge, this variant has not been reported in the literature. This variant is reported in 0.00088% of alleles in individuals of European (Non-Finnish) descent in gnomAD. At this time, the clinical significance of this variant is uncertain due to the absence of conclusive functional and genetic evidence.

NM_006180.6(NTRK2):c.70G>A (p.Gly24Ser)

Gene: NTRK2 (neurotrophic receptor tyrosine kinase 2; plus strand). Cytogenetic location: 9q21.33.
Variant type: single nucleotide variant.
Coding change: c.70G>A on transcript NM_006180.6 (MANE Select); coding-DNA position 70, G replaced by A.
Protein change: p.Gly24Ser; replaces glycine 24 with serine.
Molecular consequence: missense variant.
Genome position (GRCh38, 1-based): chr9:84,670,818, G>A. VCF-style: chr9-84670818-G-A. GRCh37 (hg19) VCF-style: chr9-87285733-G-A.
Other names: c.70G>A, p.Gly24Ser (NM_001007097.3, NM_001018064.3, NM_001018065.2 and 18 more transcripts); short protein forms G24S.
Identifiers: ClinVar variation 4986169 (VCV004986169.1).